The following is an entry in ClinVar:

NM_001375524.1(TRRAP):c.4877G>C (p.Gly1626Ala)

Gene: TRRAP (transformation/transcription domain associated protein; plus strand). Cytogenetic location: 7q22.1.
Variant type: single nucleotide variant.
Coding change: c.4877G>C on transcript NM_001375524.1 (MANE Select); coding-DNA position 4877, G replaced by C.
Protein change: p.Gly1626Ala; replaces glycine 1626 with alanine.
Molecular consequence: missense variant.
Genome position (GRCh38, 1-based): chr7:98,949,505, G>C. VCF-style: chr7-98949505-G-C. GRCh37 (hg19) VCF-style: chr7-98547128-G-C.
Other names: c.4856G>C (NM_001244580.1); c.4856G>C, p.Gly1619Ala (NM_001244580.2); c.4802G>C, p.Gly1601Ala (NM_003496.4); short protein forms G1601A, G1626A, G1619A.
Identifiers: ClinVar variation 3718227 (VCV003718227.3).

ClinVar aggregate classification (germline): Uncertain significance. Review status: criteria provided, multiple submitters, no conflicts (2 of 4 stars). 2 submissions from 2 submitters: Uncertain significance (2). Last evaluated 2025-08-22.

Conditions:
Inborn genetic diseases. Identifiers: MedGen C0950123, MeSH D030342.

gnomAD v4.1: 3 of 1,610,390 alleles (0.00019%); highest among the groups gnomAD compares: East Asian, 0.0045%; no homozygotes.

Submissions (2):

Ambry Genetics
Classification: Uncertain significance for Inborn genetic diseases. Last evaluated: 2025-08-22. Review status: criteria provided, single submitter. Criteria: Ambry Variant Classification Scheme 2023. Collection method: clinical testing. Allele origin: germline.

Labcorp Genetics (formerly Invitae), Labcorp
Classification: Uncertain significance. Last evaluated: 2025-04-14. Review status: criteria provided, single submitter. Criteria: Invitae Variant Classification Sherloc (09022015). Collection method: clinical testing. Allele origin: germline.
Comment: This sequence change replaces glycine, which is neutral and non-polar, with alanine, which is neutral and non-polar, at codon 1601 of the TRRAP protein (p.Gly1601Ala). This variant is present in population databases (no rsID available, gnomAD 0.006%). This variant has not been reported in the literature in individuals affected with TRRAP-related conditions. ClinVar contains an entry for this variant (Variation ID: 3718227). Invitae Evidence Modeling of protein sequence and biophysical properties (such as structural, functional, and spatial information, amino acid conservation, physicochemical variation, residue mobility, and thermodynamic stability) indicates that this missense variant is not expected to disrupt TRRAP protein function with a negative predictive value of 80%. In summary, the available evidence is currently insufficient to determine the role of this variant in disease. Therefore, it has been classified as a Variant of Uncertain Significance.